The following is an entry in ClinVar:

NM_000238.4(KCNH2):c.268G>C (p.Glu90Gln)

Gene: KCNH2 (potassium voltage-gated channel subfamily H member 2; minus strand). Cytogenetic location: 7q36.1.
Variant type: single nucleotide variant.
Coding change: c.268G>C on transcript NM_000238.4 (MANE Select); coding-DNA position 268, G replaced by C.
Protein change: p.Glu90Gln; replaces glutamic acid 90 with glutamine.
Molecular consequence: missense variant.
Genome position (GRCh38, 1-based): chr7:150,974,750, C>G on the plus strand (G>C on the coding strand, the complement: KCNH2 is on the minus strand). VCF-style: chr7-150974750-C-G. GRCh37 (hg19) VCF-style: chr7-150671838-C-G.
Other names: c.91G>C, p.Glu31Gln (NM_001406755.1); c.268G>C, p.Glu90Gln (NM_172056.3); short protein forms E31Q, E90Q.
Identifiers: ClinVar variation 2056550 (VCV002056550.4), dbSNP rs777810074, ClinGen allele CA034209.

ClinVar aggregate classification (germline): Uncertain significance (1 of 4 stars; one submission).

Conditions:
Long QT syndrome (LQTS). Identifiers: MedGen C0023976, MeSH D008133, MONDO:0002442. Disease mechanism: loss of function. Inheritance: Various modes of inheritance.

gnomAD v4.1: 1 of 1,605,978 alleles (0.000062%); highest among the groups gnomAD compares: Non-Finnish European, 0.000085%; no homozygotes.

Submission:

Labcorp Genetics (formerly Invitae), Labcorp
Classification: Uncertain significance for Long QT syndrome. Last evaluated: 2024-10-23. Review status: criteria provided, single submitter. Criteria: Invitae Variant Classification Sherloc (09022015). Collection method: clinical testing. Allele origin: germline.
Comment: This sequence change replaces glutamic acid, which is acidic and polar, with glutamine, which is neutral and polar, at codon 90 of the KCNH2 protein (p.Glu90Gln). This variant is not present in population databases (gnomAD no frequency). This variant has not been reported in the literature in individuals affected with KCNH2-related conditions. ClinVar contains an entry for this variant (Variation ID: 2056550). An algorithm developed to predict the effect of missense changes on protein structure and function (PolyPhen-2) suggests that this variant is likely to be tolerated. In summary, the available evidence is currently insufficient to determine the role of this variant in disease. Therefore, it has been classified as a Variant of Uncertain Significance.